The following is an entry in ClinVar:

ClinVar aggregate classification (germline): Uncertain significance (1 of 4 stars; one submission).

gnomAD v4.1: 47 of 1,613,772 alleles (0.0029%); highest among the groups gnomAD compares: East Asian, 0.0067%; no homozygotes.

Submission:

CeGaT Center for Human Genetics Tuebingen
Classification: Uncertain significance. Last evaluated: 2024-11-01. Review status: criteria provided, single submitter. Criteria: CeGaT Center For Human Genetics Tuebingen Variant Classification Criteria Version 2. Collection method: clinical testing. Allele origin: germline. Affected: yes. Observed: 1 variant allele.
Comment: POLR3A: PM2

NM_007055.4(POLR3A):c.3797C>T (p.Thr1266Met)

Gene: POLR3A (RNA polymerase III subunit A; minus strand). Cytogenetic location: 10q22.3.
Variant type: single nucleotide variant.
Coding change: c.3797C>T on transcript NM_007055.4 (MANE Select); coding-DNA position 3797, C replaced by T.
Protein change: p.Thr1266Met; replaces threonine 1266 with methionine.
Molecular consequence: missense variant.
Genome position (GRCh38, 1-based): chr10:77,981,522, G>A on the plus strand (C>T on the coding strand, the complement: POLR3A is on the minus strand). VCF-style: chr10-77981522-G-A. GRCh37 (hg19) VCF-style: chr10-79741280-G-A.
Other names: short protein forms T1266M.
Identifiers: ClinVar variation 3389055 (VCV003389055.14).